The following is an entry in ClinVar:

NM_213599.3(ANO5):c.*199T>C

Gene: ANO5 (anoctamin 5; plus strand). Cytogenetic location: 11p14.3.
Variant type: single nucleotide variant.
Coding change: c.*199T>C on transcript NM_213599.3 (MANE Select); 199 bases downstream of the stop codon, T replaced by C.
Molecular consequence: 3 prime UTR variant.
Genome position (GRCh38, 1-based): chr11:22,279,964, T>C. VCF-style: chr11-22279964-T-C. GRCh37 (hg19) VCF-style: chr11-22301510-T-C.
Other names: c.*199T>C (NM_001142649.2).
Identifiers: ClinVar variation 879328 (VCV000879328.4), dbSNP rs190481523, ClinGen allele CA218779858.

ClinVar aggregate classification (germline): Likely benign (1 of 4 stars; one submission).

Conditions:
ANO5-Related Muscle Diseases. Identifiers: MedGen CN180644.

Allele frequency attached by ClinVar (database versions not stated): gnomAD exomes 0.00055; 1000 Genomes Project 0.00419; 1000 Genomes Project 30x 0.00422; gnomAD 0.00432 and 0.00453; TOPMed 0.00522.
gnomAD v4.1: 898 of 576,158 alleles (0.16%); highest among the groups gnomAD compares: African/African-American, 1.5%; 4 homozygotes.

Submission:

Illumina Laboratory Services, Illumina
Classification: Likely benign for ANO5-Related Muscle Diseases. Last evaluated: 2018-01-13. Review status: criteria provided, single submitter. Criteria: ICSL Variant Classification Criteria 13 December 2019. Collection method: clinical testing. Allele origin: germline.
Comment: This variant was observed in the ICSL laboratory as part of a predisposition screen in an ostensibly healthy population. It had not been previously curated by ICSL or reported in the Human Gene Mutation Database (HGMD: prior to June 1st, 2018), and was therefore a candidate for classification through an automated scoring system. Utilizing variant allele frequency, disease prevalence and penetrance estimates, and inheritance mode, an automated score was calculated to assess if this variant is too frequent to cause the disease. Based on the score and internal cut-off values, a variant classified as likely benign is not then subjected to further curation. The score for this variant resulted in a classification of likely benign for this disease.